The following is an entry in ClinVar:

NM_000199.5(SGSH):c.1063G>A (p.Glu355Lys)

Gene: SGSH (N-sulfoglucosamine sulfohydrolase; minus strand). Cytogenetic location: 17q25.3.
Variant type: single nucleotide variant.
Coding change: c.1063G>A on transcript NM_000199.5 (MANE Select); coding-DNA position 1063, G replaced by A.
Protein change: p.Glu355Lys; replaces glutamic acid 355 with lysine.
Molecular consequence: missense variant. On other transcripts: 3 prime UTR variant (2), non-coding transcript variant (1).
Genome position (GRCh38, 1-based): chr17:80,210,898, C>T on the plus strand (G>A on the coding strand, the complement: SGSH is on the minus strand). VCF-style: chr17-80210898-C-T. GRCh37 (hg19) VCF-style: chr17-78184697-C-T.
Other names: c.*150G>A (NM_001352921.3); c.*113G>A (NM_001352922.2); c.1063G>A (NM_000199.4); short protein forms E355K.
Identifiers: ClinVar variation 325835 (VCV000325835.30), dbSNP rs766938111, ClinGen allele CA8817682.

ClinVar aggregate classification (germline): Pathogenic/Likely pathogenic. Review status: criteria provided, multiple submitters, no conflicts (2 of 4 stars). 10 submissions from 10 submitters: Pathogenic (3); Likely pathogenic (6). 1 of the submissions does not count toward it. Last evaluated 2025-09-24.

Conditions:
SGSH-related disorder. Also called: SGSH-related condition.
Mucopolysaccharidosis, MPS-III-A (MPS3A). Also called: MUCOPOLYSACCHARIDOSIS, TYPE IIIA, ATTENUATED; MPS III A; MPS IIIA (Sanfilippo Syndrome Type A); SANFILIPPO SYNDROME A; SULFAMIDASE DEFICIENCY; Mucopolysaccharidosis, type IIIA. Identifiers: Orphanet 581, Orphanet 79269, MedGen C0086647, MONDO:0009655, OMIM 252900.

Allele frequency attached by ClinVar (database versions not stated): gnomAD exomes 0.00002 and 0.00003; ExAC 0.00003; gnomAD 0.00004 and 0.00005; TOPMed 0.00005.
gnomAD v4.1: 39 of 1,611,466 alleles (0.0024%); highest among the groups gnomAD compares: Admixed American, 0.0083%; no homozygotes.

Submissions (10):

Labcorp Genetics (formerly Invitae), Labcorp
Classification: Pathogenic for Mucopolysaccharidosis, MPS-III-A. Last evaluated: 2025-09-24. Review status: criteria provided, single submitter. Criteria: Invitae Variant Classification Sherloc (09022015). Collection method: clinical testing. Allele origin: germline.
Comment: This sequence change replaces glutamic acid, which is acidic and polar, with lysine, which is basic and polar, at codon 355 of the SGSH protein (p.Glu355Lys). This variant is present in population databases (rs766938111, gnomAD 0.01%). This missense change has been observed in individual(s) with clinical features of mucopolysaccharidosis type III (PMID: 11182930, 19383612, 25557439, 31718697; internal data). In at least one individual the data is consistent with being in trans (on the opposite chromosome) from a pathogenic variant. ClinVar contains an entry for this variant (Variation ID: 325835). Invitae Evidence Modeling of protein sequence and biophysical properties (such as structural, functional, and spatial information, amino acid conservation, physicochemical variation, residue mobility, and thermodynamic stability) has been performed for this missense variant. However, the output from this modeling did not meet the statistical confidence thresholds required to predict the impact of this variant on SGSH protein function. For these reasons, this variant has been classified as Pathogenic.

Natera, Inc.
Classification: Likely pathogenic for Mucopolysaccharidosis type IIIA. Last evaluated: 2024-07-30. Review status: criteria provided, single submitter. Criteria: Natera Variant Classification Schema (03/2026). Collection method: clinical testing. Allele origin: germline.
Comment: The c.1063G>A variant in SGSH is a missense variant predicted to cause substitution of glutamic acid to lysine at amino acid 355. This variant is rare in the general population with a frequency below the threshold expected for the associated phenotype(s). This variant has been observed in one or more individuals affected with the associated recessive disease, as either homozygous or compound heterozygous with a second variant (PMID: 11182930, 19383612, 25557439, 31718697, 36918699). Computational prediction algorithms indicate this variant is likely to affect gene or protein function. Given the available evidence, this variant is classified as Likely Pathogenic.

Fulgent Genetics
Classification: Likely pathogenic for Mucopolysaccharidosis, MPS-III-A. Last evaluated: 2024-03-10. Review status: criteria provided, single submitter. Criteria: ACMG Guidelines, 2015. Collection method: clinical testing. Allele origin: germline.

Blueprint Genetics
Classification: Likely pathogenic for SGSH-related disorders. Last evaluated: 2023-12-08. Review status: criteria provided, single submitter. Criteria: ACMG Guidelines, 2015. Collection method: clinical testing. Allele origin: germline. Affected: yes. Observed: 5 variant alleles.

Women's Health and Genetics/Laboratory Corporation of America, LabCorp
Classification: Likely pathogenic for Mucopolysaccharidosis, MPS-III-A. Last evaluated: 2023-07-26. Review status: criteria provided, single submitter. Criteria: LabCorp Variant Classification Summary - May 2015. Collection method: clinical testing. Allele origin: germline.
Comment: Variant summary: SGSH c.1063G>A (p.Glu355Lys) results in a conservative amino acid change in the encoded protein sequence. Three of five in-silico tools predict a damaging effect of the variant on protein function. The variant allele was found at a frequency of 2.8e-05 in 248350 control chromosomes. c.1063G>A has been reported in the literature in individuals affected with Mucopolysaccharidosis Type IIIA (Sanfilippo Syndrome A) (Beesley_2000, Sleat_2009, Nijmeijer_2019, Utz_2015). These data indicate that the variant is likely to be associated with disease. To our knowledge, no experimental evidence demonstrating an impact on protein function has been reported. The following publications have been ascertained in the context of this evaluation (PMID: 11182930, 31718697, 19383612, 25557439). Six submitters have cited clinical-significance assessments for this variant to ClinVar after 2014 and classified as pathogenic/likely pathogenic (n=5) and VUS (n=1). Based on the evidence outlined above, the variant was classified as likely pathogenic.

GeneDx
Classification: Pathogenic. Last evaluated: 2022-08-11. Review status: criteria provided, single submitter. Criteria: GeneDx Variant Classification Process June 2021. Collection method: clinical testing. Allele origin: germline. Affected: yes.
Comment: In silico analysis supports that this missense variant has a deleterious effect on protein structure/function; Not observed at significant frequency in large population cohorts (gnomAD); This variant is associated with the following publications: (PMID: 25807448, 11668611, 31718697, 24816101, 11182930, 19383612, 21990111)

Genome-Nilou Lab
Classification: Likely pathogenic for Mucopolysaccharidosis, MPS-III-A. Last evaluated: 2021-11-07. Review status: criteria provided, single submitter. Criteria: ACMG Guidelines, 2015. Collection method: clinical testing. Allele origin: germline. Affected: no.

Geisinger Autism and Developmental Medicine Institute, Geisinger Health System
Classification: Pathogenic for Mucopolysaccharidosis, MPS-III-A. Last evaluated: 2017-04-26. Review status: criteria provided, single submitter. Criteria: ACMG Guidelines, 2015. Collection method: clinical testing. Allele origin: paternal. Affected: yes. Observed: 2 variant alleles.
Comment: The following ACMG criteria are met: PS3 (Well-established functional study), PM2 (Absent or very low frequency in population databases), PM3 (In trans with pathogenic variant, Beesley 2000), PP1 (Co-segregation with disease in multiple family members), PP3 (Multiple lines of computational evidence support deleterious effect). This variant has been reported previously in trans in a patient with confirmed MPS IIIA based on clinical features and enzyme activity. Two sisters in our clinical practice are compound heterozygotes for E355K and P225L and a clinical diagnosis of MPS IIIA was confirmed by clinical exam, positive urine screen, and absent enzyme activity in leukocytes.

Juno Genomics, Hangzhou Juno Genomics, Inc
Classification: Likely pathogenic for Mucopolysaccharidosis, MPS-III-A. Review status: criteria provided, single submitter. Criteria: ACMG Guidelines, 2015. Collection method: clinical testing. Allele origin: germline.
Comment: Absent from controls (or at extremely low frequency if recessive) in Genome Aggregation Database.;Multiple lines of computational evidence support a deleterious effect on the gene or gene product.;For recessive disorders, detected in trans with a pathogenic variant.;Patient's phenotype or family history is highly specific for a disease with a single genetic etiology.

Counsyl
Classification: Likely pathogenic for Mucopolysaccharidosis, MPS-III-A. Last evaluated: 2018-12-07. Review status: no assertion criteria provided. Collection method: clinical testing. Allele origin: unknown. Not counted in ClinVar's aggregate classification.

Literature cited by the submitters: PubMed 11182930 (cited by 5 submitters); PubMed 19383612 (cited by 4 submitters); PubMed 25557439 (cited by 4 submitters); PubMed 31718697 (cited by 3 submitters); PubMed 36918699 (cited by Natera, Inc.).